The following is an entry in ClinVar:

NM_001023570.4(IQCB1):c.862G>T (p.Glu288Ter)

Gene: IQCB1 (IQ motif containing B1; minus strand). Cytogenetic location: 3q13.33.
Variant type: single nucleotide variant.
Coding change: c.862G>T on transcript NM_001023570.4 (MANE Select); coding-DNA position 862, G replaced by T.
Protein change: p.Glu288Ter; replaces glutamic acid 288 with a stop codon.
Molecular consequence: nonsense. On other transcripts: non-coding transcript variant (1), intron variant (1).
Genome position (GRCh38, 1-based): chr3:121,797,132, C>A on the plus strand (G>T on the coding strand, the complement: IQCB1 is on the minus strand). VCF-style: chr3-121797132-C-A. GRCh37 (hg19) VCF-style: chr3-121515979-C-A.
Other names: c.862G>T, p.Glu288Ter (NM_001319107.2); c.588-6917G>T (NM_001023571.4); short protein forms E288*.
Identifiers: ClinVar variation 942614 (VCV000942614.8), dbSNP rs1949225959, ClinGen allele CA354120277.

ClinVar aggregate classification (germline): Pathogenic/Likely pathogenic. Review status: criteria provided, multiple submitters, no conflicts (2 of 4 stars). 2 submissions from 2 submitters: Pathogenic (1); Likely pathogenic (1). Last evaluated 2023-02-22.

Conditions:
Senior-Loken syndrome 5 (SLSN5). Identifiers: Orphanet 3156, MedGen C1836517, MONDO:0012225, OMIM 609254.
Nephronophthisis. Also called: Juvenile Nephronophthisis. Identifiers: Orphanet 655, MedGen C0687120, MONDO:0019005, HP:0000090.

Submissions (2):

Baylor Genetics
Classification: Likely pathogenic for Senior-Loken syndrome 5. Last evaluated: 2023-02-22. Review status: criteria provided, single submitter. Criteria: ACMG Guidelines, 2015. Collection method: clinical testing. Allele origin: unknown.

Labcorp Genetics (formerly Invitae), Labcorp
Classification: Pathogenic for Nephronophthisis. Last evaluated: 2019-06-13. Review status: criteria provided, single submitter. Criteria: Invitae Variant Classification Sherloc (09022015). Collection method: clinical testing. Allele origin: germline.
Comment: For these reasons, this variant has been classified as Pathogenic. Loss-of-function variants in IQCB1 are known to be pathogenic (PMID: 15723066, 21901789, 23559409, 28041643). Algorithms developed to predict the effect of sequence changes on RNA splicing suggest that this variant may create or strengthen a splice site, but this prediction has not been confirmed by published transcriptional studies. This variant has not been reported in the literature in individuals with IQCB1-related conditions. This variant is not present in population databases (ExAC no frequency). This sequence change creates a premature translational stop signal (p.Glu288*) in the IQCB1 gene. It is expected to result in an absent or disrupted protein product.

Literature cited by the submitters: PubMed 15723066 (cited by Labcorp Genetics (formerly Invitae), Labcorp); PubMed 21901789 (cited by Labcorp Genetics (formerly Invitae), Labcorp); PubMed 23559409 (cited by Labcorp Genetics (formerly Invitae), Labcorp); PubMed 28041643 (cited by Labcorp Genetics (formerly Invitae), Labcorp).